The following is an entry in ClinVar:

ClinVar aggregate classification (germline): Pathogenic. Review status: reviewed by expert panel (3 of 4 stars). 9 submissions from 9 submitters: Pathogenic (1). 8 of the submissions do not count toward it. Last evaluated 2026-07-20.

Conditions:
Retinitis pigmentosa (RP). Identifiers: Orphanet 791, MedGen C0035334, MeSH D012174, MONDO:0019200, OMIM 268000. Inheritance: Autosomal dominant, autosomal recessive and X linked inheritance.
Bardet-Biedl syndrome 14 (BBS14). Identifiers: Orphanet 110, MedGen C2673874, MONDO:0014442, OMIM 615991.
Joubert syndrome 5 (JBTS5). Identifiers: Orphanet 2318, MedGen C1857780, MONDO:0012432, OMIM 610188.
CEP290-related ciliopathy. Also called: CEP290 ciliopathy. Identifiers: MedGen CN305601, MONDO:0100451.
Leber congenital amaurosis (LCA). Also called: Leber's amaurosis. Identifiers: Orphanet 65, MedGen C0339527, MeSH D057130, MONDO:0018998.
Nephronophthisis. Also called: Juvenile Nephronophthisis. Identifiers: Orphanet 655, MedGen C0687120, MONDO:0019005, HP:0000090.
Joubert syndrome. Also called: Familial aplasia of the vermis; JOUBERT-BOLTSHAUSER SYNDROME. Identifiers: Orphanet 475, MedGen C5979921, MONDO:0018772.
Meckel-Gruber syndrome. Also called: DYSENCEPHALIA SPLANCHNOCYSTICA; GRUBER SYNDROME; Dysencephalia splachnocystica. Identifiers: Orphanet 564, MedGen C0265215, MONDO:0018921.
CEP290-related disorder. Also called: CEP290-related condition; CEP290-related disorders. Identifiers: MedGen CN239314.
Senior-Loken syndrome 6 (SLSN6). Identifiers: Orphanet 3156, MedGen C1857779, MONDO:0012433, OMIM 610189.
Meckel syndrome, type 4 (MKS4). Also called: MECKEL-GRUBER SYNDROME, TYPE 4. Identifiers: Orphanet 564, MedGen C1970161, MONDO:0012626, OMIM 611134.
Leber congenital amaurosis 10 (LCA10). Identifiers: Orphanet 65, MedGen C1857821, MONDO:0012723, OMIM 611755.
Joubert syndrome 1 (JBTS1). Also called: Cerebellooculorenal syndrome 1; CEREBELLOPARENCHYMAL DISORDER IV. Identifiers: MedGen C4551568, MONDO:0008944, OMIM 213300.

Allele frequency attached by ClinVar (database versions not stated): TOPMed 0.00002.
gnomAD v4.1: 6 of 1,604,088 alleles (0.00037%); highest among the groups gnomAD compares: African/African-American, 0.0013%; no homozygotes.

Submissions (9):

ClinGen Leber Congenital Amaurosis/early Onset Retinal Dystrophy Variant Curation Expert Panel, ClinGen
Classification: Pathogenic for CEP290-related ciliopathy. Last evaluated: 2026-07-20. Review status: reviewed by expert panel. Criteria: ClinGen LCAeoRD ACMG Specifications CEP290 V1.0.0. Collection method: curation. Allele origin: germline. Inheritance: Autosomal recessive inheritance.
Comment: NM_025114.4(CEP290):c.5777G>C (p.Arg1926Pro) is a missense variant causing replacement of arginine with proline at amino acid 1926. This variant is present in gnomAD v4.1.1 at a total allele frequency of 0.0000037, with 6 alleles / 1604088 total alleles, which is lower than the ClinGen LCA/eoRD VCEP PM2_Supporting threshold of <0.0006 (PM2_Supporting). The computational predictor CADD gives a score of 26, which is above the ClinGen LCA/eoRD VCEP threshold of ≥25.3 and predicts a damaging effect on CEP290 protein function (PP3). This variant has been reported in at least 6 probands with early-onset severe retinal dystrophy who were compound heterozygous with either the NM_025114.4(CEP290):c.2991+1655A>G variant suspected in trans (0.5 pts, PMID: 21153841), the NM_025114.4(CEP290):c.4966_4967del (p.Glu1656fs) variant suspected in trans (0.5 pts, PMID: 27208204), the NM_025114.4(CEP290):c.1451del (p.Lys484ArgfsTer8) variant suspected in trans (0.5 pts, PMID: 39939324), the NM_025114.4(CEP290):c.2695C>T (p.Gln899Ter) variant suspected in trans (0.5 pts, PMID: 32865313), the NM_025114.4(CEP290):c.1189+2T>C variant confirmed in trans (1 pt, PMID: 31630094), or the NM_025114.3:c.955del, p.(Ser319LeufsTer16) variant confirmed in trans (1 pt, PMID: 39766851), which were previously classified pathogenic by the ClinGen LCA/eoRD VCEP (4 total points, PM3_VeryStrong). The variant has been reported to segregate with childhood-onset severe retinal dystrophy through a proband plus 1 similarly affected relative in two separate families, with the variant present in the compound heterozygous state (PMID: 29398085, PMID: 39766851, PP1_Moderate). In summary, this variant meets the criteria to be classified as Pathogenic for CEP290-related ciliopathy based on the ACMG/AMP criteria applied, as specified by the ClinGen LCA/eoRD VCEP: PM2_Supporting, PM3_VeryStrong, PP4_Moderate, PP3, and PP1_Moderate.(LCA/eoRD VCEP Specifications for CEP290 Version 1.0.0)

PreventionGenetics, part of Exact Sciences
Classification: Likely pathogenic for CEP290-related condition. Last evaluated: 2026-02-10. Review status: criteria provided, single submitter. Criteria: ACMG Guidelines, 2015. Collection method: clinical testing. Allele origin: germline. Not counted in ClinVar's aggregate classification.
Comment: The CEP290 c.5777G>C variant is predicted to result in the amino acid substitution p.Arg1926Pro. This variant has been reported in individuals with Leber congenital amaurosis or retinal dystrophy (see, for example, Wiszniewski et al 2011. PubMed ID: 21153841; Sheck et al 2018. PubMed ID: 29398085; Table S1, Xu et al. 2020. PubMed ID: 31630094; Sallum et al. 2020. PubMed ID: 32865313). This variant is reported in 0.00092% of alleles in individuals of European (Non-Finnish) descent in gnomAD. This variant is interpreted as likely pathogenic.

Labcorp Genetics (formerly Invitae), Labcorp
Classification: Pathogenic for Joubert syndrome; Meckel-Gruber syndrome; Nephronophthisis. Last evaluated: 2026-01-12. Review status: criteria provided, single submitter. Criteria: Invitae Variant Classification Sherloc (09022015). Collection method: clinical testing. Allele origin: germline. Not counted in ClinVar's aggregate classification.
Comment: This sequence change replaces arginine, which is basic and polar, with proline, which is neutral and non-polar, at codon 1926 of the CEP290 protein (p.Arg1926Pro). This variant is present in population databases (rs778030031, gnomAD 0.0009%). This missense change has been observed in individual(s) with Leber congenital amaurosis (PMID: 21153841, 29398085, 31630094, 32865313). In at least one individual the data is consistent with being in trans (on the opposite chromosome) from a pathogenic variant. It has also been observed to segregate with disease in related individuals. ClinVar contains an entry for this variant (Variation ID: 659046). Invitae Evidence Modeling of protein sequence and biophysical properties (such as structural, functional, and spatial information, amino acid conservation, physicochemical variation, residue mobility, and thermodynamic stability) indicates that this missense variant is expected to disrupt CEP290 protein function with a positive predictive value of 80%. For these reasons, this variant has been classified as Pathogenic.

Natera, Inc.
Classification: Pathogenic for Leber congenital amaurosis. Last evaluated: 2025-09-22. Review status: criteria provided, single submitter. Criteria: Natera Variant Classification Schema (03/2026). Collection method: clinical testing. Allele origin: germline. Not counted in ClinVar's aggregate classification.
Comment: The c.5777G>C variant in CEP290 is a missense variant predicted to cause substitution of arginine to proline at amino acid 1926. This variant is rare in the general population with a frequency below the threshold expected for the associated phenotype(s). This variant has been observed in one or more individuals affected with the associated recessive disease, as either homozygous or compound heterozygous with a second variant (PMID: 31630094, 29398085, 21153841, 32865313, 27208204, 39766851). Additionally, this variant has been observed to segregate in affected family members (PMID: 39766851, 29398085). Computational prediction algorithms indicate this variant is likely to affect gene or protein function. Given the available evidence, this variant is classified as Pathogenic.

3billion
Classification: Likely pathogenic for Joubert syndrome 5. Last evaluated: 2024-06-19. Review status: criteria provided, single submitter. Criteria: ACMG Guidelines, 2015. Collection method: clinical testing. Allele origin: germline. Affected: yes. Not counted in ClinVar's aggregate classification.
Comment: The variant is observed at an extremely low frequency in the gnomAD v4.0.0 dataset (total allele frequency: <0.001%). Predicted Consequence/Location: The majority of the known disease-causing variants of this gene are variants expected to result in premature termination of the protein. In silico tool predictions suggest damaging effect of the variant on gene or gene product [3Cnet: 0.64 (>=0.6, sensitivity 0.72 and precision 0.9)]. The same nucleotide change resulting in the same amino acid change has been previously reported as pathogenic/likely pathogenic with strong evidence (ClinVar ID: VCV000659046 /PMID: 21153841). Therefore, this variant is classified as Likely pathogenic according to the recommendation of ACMG/AMP guideline.

Fulgent Genetics
Classification: Likely pathogenic for Joubert syndrome 5; Senior-Loken syndrome 6; Meckel syndrome, type 4; Leber congenital amaurosis 10; Bardet-Biedl syndrome 14. Last evaluated: 2024-06-13. Review status: criteria provided, single submitter. Criteria: ACMG Guidelines, 2015. Collection method: clinical testing. Allele origin: germline. Not counted in ClinVar's aggregate classification.

Baylor Genetics
Classification: Pathogenic for Bardet-Biedl syndrome 14. Last evaluated: 2023-12-01. Review status: criteria provided, single submitter. Criteria: ACMG Guidelines, 2015. Collection method: clinical testing. Allele origin: unknown. Not counted in ClinVar's aggregate classification.

Ophthalmic Genetics Group, Institute of Molecular and Clinical Ophthalmology Basel
Classification: Likely pathogenic for Retinitis pigmentosa. Last evaluated: 2023-07-24. Review status: criteria provided, single submitter. Criteria: ACMG Guidelines, 2015. Collection method: research. Allele origin: germline. Affected: yes. Observed: 1 variant allele. Not counted in ClinVar's aggregate classification.
Comment: Clinical significance based on ACMG v2.0

This variant was classified as Likely pathogenic based on ACMG criteria: PP5, PM2.

Mendelics
Classification: Likely pathogenic for Joubert syndrome 1. Last evaluated: 2019-05-28. Review status: criteria provided, single submitter. Criteria: Mendelics Assertion Criteria 2017. Collection method: clinical testing. Allele origin: unknown. Not counted in ClinVar's aggregate classification.

Literature cited by the submitters: PubMed 21153841 (cited by 3 submitters); PubMed 29398085 (cited by Labcorp Genetics (formerly Invitae), Labcorp and Natera, Inc.); PubMed 31630094 (cited by Labcorp Genetics (formerly Invitae), Labcorp and Natera, Inc.); PubMed 32865313 (cited by Labcorp Genetics (formerly Invitae), Labcorp and Natera, Inc.); PubMed 27208204 (cited by Natera, Inc.); PubMed 39766851 (cited by Natera, Inc.); PubMed 36909829 (cited by Ophthalmic Genetics Group, Institute of Molecular and Clinical Ophthalmology Basel).

NM_025114.4(CEP290):c.5777G>C (p.Arg1926Pro)

Gene: CEP290 (centrosomal protein 290; minus strand). Cytogenetic location: 12q21.32.
Variant type: single nucleotide variant.
Coding change: c.5777G>C on transcript NM_025114.4 (MANE Select); coding-DNA position 5777, G replaced by C.
Protein change: p.Arg1926Pro; replaces arginine 1926 with proline.
Molecular consequence: missense variant.
Genome position (GRCh38, 1-based): chr12:88,071,859, C>G on the plus strand (G>C on the coding strand, the complement: CEP290 is on the minus strand). VCF-style: chr12-88071859-C-G. GRCh37 (hg19) VCF-style: chr12-88465636-C-G.
Other names: NP_079390.3:p.(Arg1926Pro); NM_025114.4(CEP290):c.5777G>C; p.Arg1926Pro; short protein forms R1926P.
Identifiers: ClinVar variation 659046 (VCV000659046.21), dbSNP rs778030031, ClinGen allele CA241150716.